The following is an entry in ClinVar:

ClinVar aggregate classification (germline): Uncertain significance (1 of 4 stars; one submission).

gnomAD v4.1: 4 of 1,614,066 alleles (0.00025%); highest among the groups gnomAD compares: Non-Finnish European, 0.00034%; no homozygotes.

Submission:

Women's Health and Genetics/Laboratory Corporation of America, LabCorp
Classification: Uncertain significance. Last evaluated: 2025-03-10. Review status: criteria provided, single submitter. Criteria: LabCorp Variant Classification Summary - May 2015. Collection method: clinical testing. Allele origin: germline.
Comment: Variant summary: VANGL1 c.1232T>C (p.Ile411Thr) results in a non-conservative amino acid change in the encoded protein sequence. Four of five in-silico tools predict a benign effect of the variant on protein function. The variant was absent in 251354 control chromosomes. The available data on variant occurrences in the general population are insufficient to allow any conclusion about variant significance. To our knowledge, no occurrence of c.1232T>C in individuals affected with VANGL1-Related Disorders and no experimental evidence demonstrating its impact on protein function have been reported. No submitters have cited clinical-significance assessments for this variant to ClinVar. Based on the evidence outlined above, the variant was classified as uncertain significance.

NM_138959.3(VANGL1):c.1232T>C (p.Ile411Thr)

Gene: VANGL1 (VANGL planar cell polarity protein 1; plus strand). Cytogenetic location: 1p13.1.
Variant type: single nucleotide variant.
Coding change: c.1232T>C on transcript NM_138959.3 (MANE Select); coding-DNA position 1232, T replaced by C.
Protein change: p.Ile411Thr; replaces isoleucine 411 with threonine.
Molecular consequence: missense variant.
Genome position (GRCh38, 1-based): chr1:115,685,445, T>C. VCF-style: chr1-115685445-T-C. GRCh37 (hg19) VCF-style: chr1-116228066-T-C.
Other names: c.1226T>C, p.Ile409Thr (NM_001172411.2); c.1232T>C, p.Ile411Thr (NM_001172412.2); short protein forms I409T, I411T.
Identifiers: ClinVar variation 3895733 (VCV003895733.1).